The following is an entry in ClinVar:

ClinVar aggregate classification (germline): Uncertain significance (1 of 4 stars; one submission).

Conditions:
Peroxisome biogenesis disorder 2B (PBD2B). Identifiers: Orphanet 44, MedGen C3550234, MONDO:0008736, OMIM 202370.

Allele frequency attached by ClinVar (database versions not stated): gnomAD exomes below 0.00001; TOPMed below 0.00001.
gnomAD v4.1: 1 of 1,498,828 alleles (0.000067%); highest among the groups gnomAD compares: East Asian, 0.0026%; no homozygotes.

Submission:

Labcorp Genetics (formerly Invitae), Labcorp
Classification: Uncertain significance for Peroxisome biogenesis disorder 2B. Last evaluated: 2022-11-29. Review status: criteria provided, single submitter. Criteria: Invitae Variant Classification Sherloc (09022015). Collection method: clinical testing. Allele origin: germline.
Comment: This sequence change replaces glutamic acid, which is acidic and polar, with lysine, which is basic and polar, at codon 540 of the PEX5 protein (p.Glu540Lys). In summary, the available evidence is currently insufficient to determine the role of this variant in disease. Therefore, it has been classified as a Variant of Uncertain Significance. Advanced modeling of protein sequence and biophysical properties (such as structural, functional, and spatial information, amino acid conservation, physicochemical variation, residue mobility, and thermodynamic stability) has been performed at Invitae for this missense variant, however the output from this modeling did not meet the statistical confidence thresholds required to predict the impact of this variant on PEX5 protein function. ClinVar contains an entry for this variant (Variation ID: 1421613). This variant has not been reported in the literature in individuals affected with PEX5-related conditions. This variant is not present in population databases (gnomAD no frequency).

NM_001351132.2(PEX5):c.1618G>A (p.Glu540Lys)

Gene: PEX5 (peroxisomal biogenesis factor 5; plus strand). Cytogenetic location: 12p13.31.
Variant type: single nucleotide variant.
Coding change: c.1618G>A on transcript NM_001351132.2 (MANE Select); coding-DNA position 1618, G replaced by A.
Protein change: p.Glu540Lys; replaces glutamic acid 540 with lysine.
Molecular consequence: missense variant.
Genome position (GRCh38, 1-based): chr12:7,209,740, G>A. VCF-style: chr12-7209740-G-A. GRCh37 (hg19) VCF-style: chr12-7362336-G-A.
Other names: c.1594G>A, p.Glu532Lys (NM_000319.5); c.1663G>A, p.Glu555Lys (NM_001131023.2); c.1507G>A, p.Glu503Lys (NM_001131024.2, NM_001351124.3, NM_001351126.2 and 7 more transcripts); c.1618G>A, p.Glu540Lys (NM_001131025.2, NM_001131026.2, NM_001300789.3 and 4 more transcripts); c.1552G>A, p.Glu518Lys (NM_001351135.3, NM_001351138.2); c.1609G>A, p.Glu537Lys (NM_001351136.2); c.1483G>A, p.Glu495Lys (NM_001351139.2, NM_001351140.2, NM_001374649.2); short protein forms E537K, E540K, E503K, E532K, E495K, E518K, E555K.
Identifiers: ClinVar variation 1421613 (VCV001421613.7), dbSNP rs977141805, ClinGen allele CA232476982.